The following is an entry in ClinVar:

ClinVar aggregate classification (germline): Uncertain significance (1 of 4 stars; one submission).

Conditions:
Hereditary cancer-predisposing syndrome. Also called: Tumor predisposition; Hereditary neoplastic syndrome; Hereditary Cancer Syndrome; Neoplastic Syndromes, Hereditary. Identifiers: Orphanet 140162, MedGen C0027672, MeSH D009386, MONDO:0015356.

gnomAD v4.1: 1 of 1,606,292 alleles (0.000062%); highest among the groups gnomAD compares: Non-Finnish European, 0.000085%; no homozygotes.

Submission:

Ambry Genetics
Classification: Uncertain significance for Hereditary cancer-predisposing syndrome. Last evaluated: 2025-04-28. Review status: criteria provided, single submitter. Criteria: Ambry Variant Classification Scheme 2023. Collection method: clinical testing. Allele origin: germline.
Comment: The p.E254Q variant (also known as c.760G>C), located in coding exon 7 of the PMS2 gene, results from a G to C substitution at nucleotide position 760. The glutamic acid at codon 254 is replaced by glutamine, an amino acid with highly similar properties. This amino acid position is conserved. In addition, the in silico prediction for this alteration is inconclusive. Based on the available evidence, the clinical significance of this variant remains unclear.

NM_000535.7(PMS2):c.760G>C (p.Glu254Gln)

Gene: PMS2 (PMS1 homolog 2, mismatch repair system component; minus strand). Cytogenetic location: 7p22.1.
Variant type: single nucleotide variant.
Coding change: c.760G>C on transcript NM_000535.7 (MANE Select); coding-DNA position 760, G replaced by C.
Protein change: p.Glu254Gln; replaces glutamic acid 254 with glutamine.
Molecular consequence: missense variant. On other transcripts: 5 prime UTR variant (2), non-coding transcript variant (1), intron variant (3).
Genome position (GRCh38, 1-based): chr7:5,997,369, C>G on the plus strand (G>C on the coding strand, the complement: PMS2 is on the minus strand). VCF-style: chr7-5997369-C-G. GRCh37 (hg19) VCF-style: chr7-6037000-C-G.
Other names: c.442G>C, p.Glu148Gln (NM_001322007.2, NM_001322008.2, NM_001406876.1 and 4 more transcripts); c.355G>C, p.Glu119Gln (NM_001322009.2, NM_001322010.2, NM_001322003.2 and 19 more transcripts); c.-174G>C (NM_001322011.2, NM_001322012.2); c.760G>C, p.Glu254Gln (NM_001322006.2, NM_001406912.1, NM_001322014.2 and 3 more transcripts); c.592G>C, p.Glu198Gln (NM_001406884.1, NM_001406874.1); c.424G>C, p.Glu142Gln (NM_001406885.1); c.247G>C, p.Glu83Gln (NM_001406904.1, NM_001406905.1); c.187G>C, p.Glu63Gln (NM_001406909.1, NM_001322013.2); and 7 more; short protein forms E198Q, E254Q, E316Q, E63Q, E151Q, E218Q, E119Q, E262Q.
Identifiers: ClinVar variation 3935130 (VCV003935130.1).